The following is an entry in ClinVar:

NM_000077.5(CDKN2A):c.49_50delinsTT (p.Ala17Phe)

Gene: CDKN2A (cyclin dependent kinase inhibitor 2A; minus strand). Cytogenetic location: 9p21.3.
Variant type: Indel.
Coding change: c.49_50delinsTT on transcript NM_000077.5; coding-DNA positions 49 to 50, GC replaced by TT.
Protein change: p.Ala17Phe; replaces alanine 17 with phenylalanine.
Molecular consequence: missense variant (on NM_000077.6). On other transcripts: intron variant (2).
Genome position (GRCh38, 1-based): chr9:21,974,778-21,974,779, GC replaced by AA on the plus strand (GC replaced by TT on the coding strand, the reverse complement: CDKN2A is on the minus strand). VCF-style: chr9-21974778-GC-AA. GRCh37 (hg19) VCF-style: chr9-21974777-GC-AA.
Other names: c.49_50delGCinsTT, p.Ala17Phe (NM_000077.6); c.49_50delinsTT, p.Ala17Phe (NM_001195132.2, NM_058197.5); c.-3-3571_-3-3570delinsTT (NM_001363763.2); c.194-3571_194-3570delinsTT (NM_058195.4); short protein forms A17F.
Identifiers: ClinVar variation 4841940 (VCV004841940.1).

ClinVar aggregate classification (germline): Uncertain significance (1 of 4 stars; one submission).

Conditions:
Hereditary cancer-predisposing syndrome. Also called: Neoplastic Syndromes, Hereditary; Tumor predisposition; Hereditary neoplastic syndrome; Hereditary Cancer Syndrome. Identifiers: Orphanet 140162, MedGen C0027672, MeSH D009386, MONDO:0015356.

Submission:

Ambry Genetics
Classification: Uncertain significance for Hereditary cancer-predisposing syndrome. Last evaluated: 2025-12-16. Review status: criteria provided, single submitter. Criteria: Ambry Variant Classification Scheme 2023. Collection method: clinical testing. Allele origin: germline.
Comment: The c.49_50delGCinsTT variant (also known as p.A17F), located in coding exon 1 of the CDKN2A gene, results from an in-frame deletion of GC and insertion of TT at nucleotide positions 49 to 50. This results in the substitution of the alanine residue for a phenylalanine residue at codon 17, an amino acid with dissimilar properties. This amino acid position is not well conserved in available vertebrate species. In addition, the in silico prediction for this variant is inconclusive (Choi Y et al. PLoS ONE. 2012; 7(10):e46688). Based on the available evidence, the clinical significance of this variant remains unclear.